The following is an entry in ClinVar:

NM_018263.6(ASXL2):c.434C>T (p.Pro145Leu)

Gene: ASXL2 (ASXL transcriptional regulator 2; minus strand). Cytogenetic location: 2p23.3.
Variant type: single nucleotide variant.
Coding change: c.434C>T on transcript NM_018263.6 (MANE Select); coding-DNA position 434, C replaced by T.
Protein change: p.Pro145Leu; replaces proline 145 with leucine.
Molecular consequence: missense variant. On other transcripts: 5 prime UTR variant (1).
Genome position (GRCh38, 1-based): chr2:25,771,510, G>A on the plus strand (C>T on the coding strand, the complement: ASXL2 is on the minus strand). VCF-style: chr2-25771510-G-A. GRCh37 (hg19) VCF-style: chr2-25994379-G-A.
Other names: c.260C>T, p.Pro87Leu (NM_001369346.1); c.-347C>T (NM_001369347.1); short protein forms P145L, P87L.
Identifiers: ClinVar variation 4852295 (VCV004852295.1).
Genomic context (GRCh38, chr2:25,771,510, plus strand): 5'-GCCTTCTTGCTGTGCTTCTGTGATGGAGAAATGACTTTACCTGCTGGAATGGTGGGTGAT[G>A]GGCAGCCTGACTGCGGGGAGGACGACGATACTAGGGAAAAAAAAGTGACAATAAAAGATT-3'
Protein context (NP_060733.4, residues 135-155): VSSSSPQSGC[Pro145Leu]SPTIPAGKVI

ClinVar aggregate classification (germline): Likely benign (1 of 4 stars; one submission).

Conditions:
Shashi-Pena syndrome (SHAPNS). Identifiers: Orphanet 689408, MedGen C4310672, MONDO:0014963, OMIM 617190.

gnomAD v4.1: 25 of 1,613,536 alleles (0.0015%); highest among the groups gnomAD compares: South Asian, 0.023%; 1 homozygote.

Submission:

Centre for Medical Genetics,  Mumbai
Classification: Likely benign for Shashi-Pena syndrome. Last evaluated: 2026-05-07. Review status: criteria provided, single submitter. Criteria: ACMG Guidelines, 2015. Collection method: provider interpretation. Allele origin: germline. Inheritance: Autosomal dominant inheritance. Affected: no. Observed: 1 variant allele, 1 heterozygote.
Comment: The variant satisfies PM2 criteria - extremely low frequency in gnomAD population databases. The variant satisfies BP4 criteria - for a missense or a splice region variant, computational prediction tools unanimously support a benign effect on the gene. However, the variant satisfies BS2 criteria - present in heterozygous state in an individual that clinically does not have Shashi-Pena syndrome.

Literature cited by the submitters: PubMed 27693232.